The following is an entry in ClinVar:

NM_002907.4(RECQL):c.1211G>A (p.Arg404His)

Gene: RECQL (RecQ like helicase; minus strand). Cytogenetic location: 12p12.1.
Variant type: single nucleotide variant.
Coding change: c.1211G>A on transcript NM_002907.4 (MANE Select); coding-DNA position 1211, G replaced by A.
Protein change: p.Arg404His; replaces arginine 404 with histidine.
Molecular consequence: missense variant.
Genome position (GRCh38, 1-based): chr12:21,475,473, C>T on the plus strand (G>A on the coding strand, the complement: RECQL is on the minus strand). VCF-style: chr12-21475473-C-T. GRCh37 (hg19) VCF-style: chr12-21628407-C-T.
Other names: c.1211G>A, p.Arg404His (NM_032941.3); short protein forms R404H.
Identifiers: ClinVar variation 1420125 (VCV001420125.11), dbSNP rs770588203, ClinGen allele CA6478832.

ClinVar aggregate classification (germline): Uncertain significance. Review status: criteria provided, multiple submitters, no conflicts (2 of 4 stars). 2 submissions from 2 submitters: Uncertain significance (2). Last evaluated 2026-01-27.

Allele frequency attached by ClinVar (database versions not stated): gnomAD exomes below 0.00001 and 0.00001; ExAC 0.00001; gnomAD 0.00001; TOPMed 0.00001.
gnomAD v4.1: 16 of 1,599,214 alleles (0.001%); highest among the groups gnomAD compares: East Asian, 0.0022%; no homozygotes.

Submissions (2):

Labcorp Genetics (formerly Invitae), Labcorp
Classification: Uncertain significance. Last evaluated: 2026-01-27. Review status: criteria provided, single submitter. Criteria: Invitae Variant Classification Sherloc (09022015). Collection method: clinical testing. Allele origin: germline.
Comment: This sequence change replaces arginine, which is basic and polar, with histidine, which is basic and polar, at codon 404 of the RECQL protein (p.Arg404His). This variant is present in population databases (rs770588203, gnomAD 0.004%). This variant has not been reported in the literature in individuals affected with RECQL-related conditions. ClinVar contains an entry for this variant (Variation ID: 1420125). Invitae Evidence Modeling of protein sequence and biophysical properties (such as structural, functional, and spatial information, amino acid conservation, physicochemical variation, residue mobility, and thermodynamic stability) indicates that this missense variant is expected to disrupt RECQL protein function with a positive predictive value of 80%. In summary, the available evidence is currently insufficient to determine the role of this variant in disease. Therefore, it has been classified as a Variant of Uncertain Significance.

Ambry Genetics
Classification: Uncertain significance. Last evaluated: 2025-01-19. Review status: criteria provided, single submitter. Criteria: Ambry Variant Classification Scheme 2023. Collection method: clinical testing. Allele origin: germline.
Comment: The p.R404H variant (also known as c.1211G>A), located in coding exon 9 of the RECQL gene, results from a G to A substitution at nucleotide position 1211. The arginine at codon 404 is replaced by histidine, an amino acid with highly similar properties. This amino acid position is highly conserved in available vertebrate species. In addition, this alteration is predicted to be deleterious by in silico analysis. Since supporting evidence is limited at this time, the clinical significance of this alteration remains unclear.